The following is an entry in ClinVar:

NM_004360.5(CDH1):c.1252G>A (p.Asp418Asn)

Gene: CDH1 (cadherin 1; plus strand). Cytogenetic location: 16q22.1.
Variant type: single nucleotide variant.
Coding change: c.1252G>A on transcript NM_004360.5 (MANE Select); coding-DNA position 1252, G replaced by A.
Protein change: p.Asp418Asn; replaces aspartic acid 418 with asparagine.
Molecular consequence: missense variant. On other transcripts: 5 prime UTR variant (2), intron variant (1).
Genome position (GRCh38, 1-based): chr16:68,813,427, G>A. VCF-style: chr16-68813427-G-A. GRCh37 (hg19) VCF-style: chr16-68847330-G-A.
Other names: c.-364G>A (NM_001317185.2); c.-568G>A (NM_001317186.2); c.1137+1164G>A (NM_001317184.2); short protein forms D418N.
Identifiers: ClinVar variation 2851124 (VCV002851124.3), dbSNP rs2152133535, ClinGen allele CA396461584.

ClinVar aggregate classification (germline): Uncertain significance (1 of 4 stars; one submission).

Conditions:
Hereditary diffuse gastric adenocarcinoma (HDGC). Also called: DIFFUSE GASTRIC AND LOBULAR BREAST CANCER SYNDROME. Identifiers: Orphanet 26106, MedGen C1708349, MONDO:0007648, OMIM 137215.

Submission:

Labcorp Genetics (formerly Invitae), Labcorp
Classification: Uncertain significance for Hereditary diffuse gastric adenocarcinoma. Last evaluated: 2023-03-31. Review status: criteria provided, single submitter. Criteria: Invitae Variant Classification Sherloc (09022015). Collection method: clinical testing. Allele origin: germline.
Comment: This sequence change replaces aspartic acid, which is acidic and polar, with asparagine, which is neutral and polar, at codon 418 of the CDH1 protein (p.Asp418Asn). This variant is not present in population databases (gnomAD no frequency). This variant has not been reported in the literature in individuals affected with CDH1-related conditions. Algorithms developed to predict the effect of missense changes on protein structure and function output the following: SIFT: "Not Available"; PolyPhen-2: "Benign"; Align-GVGD: "Not Available". The asparagine amino acid residue is found in multiple mammalian species, which suggests that this missense change does not adversely affect protein function. In summary, the available evidence is currently insufficient to determine the role of this variant in disease. Therefore, it has been classified as a Variant of Uncertain Significance.